The following is an entry in ClinVar:

NM_032119.4(ADGRV1):c.6975T>C (p.Asp2325=)

Gene: ADGRV1 (adhesion G protein-coupled receptor V1; plus strand). Cytogenetic location: 5q14.3.
Variant type: single nucleotide variant.
Coding change: c.6975T>C on transcript NM_032119.4 (MANE Select); coding-DNA position 6975, T replaced by C.
Protein change: p.Asp2325=; no amino-acid change (aspartic acid 2325 retained).
Molecular consequence: synonymous variant. On other transcripts: non-coding transcript variant (1).
Genome position (GRCh38, 1-based): chr5:90,692,628, T>C. VCF-style: chr5-90692628-T-C. GRCh37 (hg19) VCF-style: chr5-89988445-T-C.
Identifiers: ClinVar variation 666641 (VCV000666641.23), dbSNP rs202030777, ClinGen allele CA3339943.

ClinVar aggregate classification (germline): Conflicting classifications of pathogenicity. Review status: criteria provided, conflicting classifications (1 of 4 stars). 6 submissions from 6 submitters: Uncertain significance (1); Likely benign (4). 1 of the submissions does not count toward it. Last evaluated 2026-01-14.

Conditions:
ADGRV1-related disorder. Also called: ADGRV1-related disorders; ADGRV1-related condition.
Usher syndrome type 2C. Also called: USHER SYNDROME, TYPE IIC; Usher syndrome, type 2B. Identifiers: Orphanet 231178, Orphanet 886, MedGen C2931213, MONDO:0011558, OMIM 605472.

Allele frequency attached by ClinVar (database versions not stated): ExAC 0.00030; gnomAD exomes 0.00031; gnomAD 0.00037 and 0.00038; TOPMed 0.00040; ESP Exome Variant Server 0.00042.
gnomAD v4.1: 756 of 1,609,930 alleles (0.047%); highest among the groups gnomAD compares: Admixed American, 0.064%; no homozygotes.

Submissions (6):

Labcorp Genetics (formerly Invitae), Labcorp
Classification: Likely benign. Last evaluated: 2026-01-14. Review status: criteria provided, single submitter. Criteria: Invitae Variant Classification Sherloc (09022015). Collection method: clinical testing. Allele origin: germline.

Blueprint Genetics
Classification: Likely benign. Last evaluated: 2024-09-06. Review status: criteria provided, single submitter. Criteria: ACMG Guidelines, 2015. Collection method: clinical testing. Allele origin: germline.

GeneDx
Classification: Likely benign. Last evaluated: 2021-02-01. Review status: criteria provided, single submitter. Criteria: GeneDx Variant Classification Process June 2021. Collection method: clinical testing. Allele origin: germline. Affected: yes.

Illumina Laboratory Services, Illumina
Classification: Uncertain significance for Usher syndrome type 2C. Last evaluated: 2018-01-13. Review status: criteria provided, single submitter. Criteria: ICSL Variant Classification Criteria 13 December 2019. Collection method: clinical testing. Allele origin: germline.

Laboratory for Molecular Medicine, Mass General Brigham Personalized Medicine
Classification: Likely benign. Last evaluated: 2012-04-30. Review status: criteria provided, single submitter. Criteria: LMM Criteria. Collection method: clinical testing. Allele origin: germline. Observed: 1 variant allele.
Comment: Asp2325Asp in Exon 32 of GPR98: This variant is not expected to have clinical si gnificance because it does not alter an amino acid residue, is not located withi n the splice consensus sequence, and has been identified in 3/6584 European Amer ican chromosomes from a broad population by the NHLBI Exome Sequencing Project.

PreventionGenetics, part of Exact Sciences
Classification: Likely benign for ADGRV1-related condition. Last evaluated: 2019-11-13. Review status: no assertion criteria provided. Collection method: clinical testing. Allele origin: germline. Not counted in ClinVar's aggregate classification.
Comment: This variant is classified as likely benign based on ACMG/AMP sequence variant interpretation guidelines (Richards et al. 2015 PMID: 25741868, with internal and published modifications).